The following is an entry in ClinVar:

ClinVar aggregate classification (germline): Uncertain significance (1 of 4 stars; one submission).

gnomAD v4.1: 11 of 1,605,644 alleles (0.00069%); highest among the groups gnomAD compares: Non-Finnish European, 0.00093%; no homozygotes.

Submission:

Labcorp Genetics (formerly Invitae), Labcorp
Classification: Uncertain significance. Last evaluated: 2025-11-16. Review status: criteria provided, single submitter. Criteria: Invitae Variant Classification Sherloc (09022015). Collection method: clinical testing. Allele origin: germline.
Comment: This sequence change replaces serine, which is neutral and polar, with tyrosine, which is neutral and polar, at codon 682 of the ERBIN protein (p.Ser682Tyr). This variant is present in population databases (rs758622701, gnomAD 0.003%). This variant has not been reported in the literature in individuals affected with ERBIN-related conditions. An algorithm developed to predict the effect of missense changes on protein structure and function (PolyPhen-2) suggests that this variant is likely to be disruptive. In summary, the available evidence is currently insufficient to determine the role of this variant in disease. Therefore, it has been classified as a Variant of Uncertain Significance.

NM_001253697.2(ERBIN):c.2045C>A (p.Ser682Tyr)

Gene: ERBIN (erbb2 interacting protein; plus strand). Cytogenetic location: 5q12.3.
Variant type: single nucleotide variant.
Coding change: c.2045C>A on transcript NM_001253697.2 (MANE Select); coding-DNA position 2045, C replaced by A.
Protein change: p.Ser682Tyr; replaces serine 682 with tyrosine.
Molecular consequence: missense variant.
Genome position (GRCh38, 1-based): chr5:66,050,924, C>A. VCF-style: chr5-66050924-C-A. GRCh37 (hg19) VCF-style: chr5-65346752-C-A.
Other names: c.2045C>A, p.Ser682Tyr (NM_001006600.3, NM_001253698.2, NM_001253699.2 and 1 more transcripts); c.2033C>A, p.Ser678Tyr (NM_001253701.2); short protein forms S678Y, S682Y.
Identifiers: ClinVar variation 4703370 (VCV004703370.1).